The following is an entry in ClinVar:

ClinVar aggregate classification (germline): Uncertain significance (1 of 4 stars; one submission).

Allele frequency attached by ClinVar (database versions not stated): TOPMed below 0.00001; gnomAD exomes 0.00001 and 0.00002; ExAC 0.00002.

Submission:

Labcorp Genetics (formerly Invitae), Labcorp
Classification: Uncertain significance. Last evaluated: 2022-09-01. Review status: criteria provided, single submitter. Criteria: Invitae Variant Classification Sherloc (09022015). Collection method: clinical testing. Allele origin: germline.
Comment: In summary, the available evidence is currently insufficient to determine the role of this variant in disease. Therefore, it has been classified as a Variant of Uncertain Significance. Algorithms developed to predict the effect of missense changes on protein structure and function are either unavailable or do not agree on the potential impact of this missense change (SIFT: "Deleterious"; PolyPhen-2: "Benign"; Align-GVGD: "Class C0"). ClinVar contains an entry for this variant (Variation ID: 959292). This variant has not been reported in the literature in individuals affected with CACNA1F-related conditions. This variant is present in population databases (rs781950119, gnomAD 0.01%). This sequence change replaces arginine, which is basic and polar, with cysteine, which is neutral and slightly polar, at codon 1672 of the CACNA1F protein (p.Arg1672Cys).

NM_001256789.3(CACNA1F):c.4981C>T (p.Arg1661Cys)

Gene: CACNA1F (calcium voltage-gated channel subunit alpha1 F; minus strand). Cytogenetic location: Xp11.23.
Variant type: single nucleotide variant.
Coding change: c.4981C>T on transcript NM_001256789.3 (MANE Select); coding-DNA position 4981, C replaced by T.
Protein change: p.Arg1661Cys; replaces arginine 1661 with cysteine.
Molecular consequence: missense variant.
Genome position (GRCh38, 1-based): chrX:49,208,657, G>A on the plus strand (C>T on the coding strand, the complement: CACNA1F is on the minus strand). VCF-style: chrX-49208657-G-A. GRCh37 (hg19) VCF-style: chrX-49065117-G-A.
Other names: c.4819C>T, p.Arg1607Cys (NM_001256790.3); c.5014C>T, p.Arg1672Cys (NM_005183.4); short protein forms R1607C, R1661C, R1672C.
Identifiers: ClinVar variation 959292 (VCV000959292.9), dbSNP rs781950119, ClinGen allele CA10410061.